The following is an entry in ClinVar:

NM_004415.4(DSP):c.913A>G (p.Ile305Val)

Gene: DSP (desmoplakin; plus strand). Cytogenetic location: 6p24.3.
Variant type: single nucleotide variant.
Coding change: c.913A>G on transcript NM_004415.4 (MANE Select); coding-DNA position 913, A replaced by G.
Protein change: p.Ile305Val; replaces isoleucine 305 with valine.
Molecular consequence: missense variant.
Genome position (GRCh38, 1-based): chr6:7,565,494, A>G. VCF-style: chr6-7565494-A-G. GRCh37 (hg19) VCF-style: chr6-7565727-A-G.
Other names: c.913A>G (LRG_423t1, NM_004415.3); c.913A>G, p.Ile305Val (NM_001008844.3, NM_001319034.2); short protein forms I305V.
Identifiers: ClinVar variation 357938 (VCV000357938.24), dbSNP rs17604693, ClinGen allele CA053014.

ClinVar aggregate classification (germline): Uncertain significance. Review status: criteria provided, multiple submitters, no conflicts (2 of 4 stars). 8 submissions from 6 submitters: Uncertain significance (8). Last evaluated 2025-12-16.

Conditions:
Arrhythmogenic right ventricular dysplasia 8 (ARVD8). Also called: ARRHYTHMOGENIC RIGHT VENTRICULAR CARDIOMYOPATHY 8; ARRHYTHMOGENIC RIGHT VENTRICULAR DYSPLASIA, FAMILIAL, 8; Arrhythmogenic Right Ventricular Dysplasia/Cardiomyopathy 8. Identifiers: MedGen C1843896, MONDO:0011831, OMIM 607450.
Arrhythmogenic cardiomyopathy with wooly hair and keratoderma. Also called: Carvajal syndrome; PALMOPLANTAR KERATODERMA WITH LEFT VENTRICULAR CARDIOMYOPATHY AND WOOLLY HAIR; Arrhythmogenic cardiomyopathy with woolly hair and keratoderma; Dilated cardiomyopathy with woolly hair and keratoderma. Identifiers: Orphanet 65282, MedGen C1854063, MONDO:0011581, OMIM 605676.
Cardiomyopathy (CMYO). Also called: Cardiomyopathies. Identifiers: Orphanet 167848, MedGen C0878544, MONDO:0004994, HP:0001638. Inheritance: Various modes of inheritance.
DSP-related disorder. Also called: DSP-related disorders; DSP-related condition.
Cardiovascular phenotype. Identifiers: MedGen CN230736.
Lethal acantholytic epidermolysis bullosa (EBLA). Identifiers: Orphanet 158687, MedGen C1864826, MONDO:0012323, OMIM 609638.
Woolly hair-skin fragility syndrome (WHSF). Identifiers: Orphanet 293165, MedGen C1843292, MONDO:0957307, OMIM 620415.

Submissions (8):

PreventionGenetics, part of Exact Sciences
Classification: Uncertain significance for DSP-related condition. Last evaluated: 2025-12-16. Review status: criteria provided, single submitter. Criteria: ACMG Guidelines, 2015. Collection method: clinical testing. Allele origin: germline.
Comment: The DSP c.913A>G variant is predicted to result in the amino acid substitution p.Ile305Val. To our knowledge, this variant has not been reported in the literature. This variant is reported in 0.00088% of alleles in individuals of European (Non-Finnish) descent in gnomAD. At this time, the clinical significance of this variant is uncertain due to the absence of conclusive functional and genetic evidence.

Labcorp Genetics (formerly Invitae), Labcorp
Classification: Uncertain significance for Arrhythmogenic cardiomyopathy with wooly hair and keratoderma; Arrhythmogenic right ventricular dysplasia 8. Last evaluated: 2025-09-22. Review status: criteria provided, single submitter. Criteria: Invitae Variant Classification Sherloc (09022015). Collection method: clinical testing. Allele origin: germline.
Comment: This sequence change replaces isoleucine, which is neutral and non-polar, with valine, which is neutral and non-polar, at codon 305 of the DSP protein (p.Ile305Val). This variant is present in population databases (rs17604693, gnomAD 0.0009%). This variant has not been reported in the literature in individuals affected with DSP-related conditions. ClinVar contains an entry for this variant (Variation ID: 357938). An algorithm developed to predict the effect of missense changes on protein structure and function (PolyPhen-2) suggests that this variant is likely to be disruptive. In summary, the available evidence is currently insufficient to determine the role of this variant in disease. Therefore, it has been classified as a Variant of Uncertain Significance.

All of Us Research Program, National Institutes of Health
Classification: Uncertain significance for Arrhythmogenic cardiomyopathy with wooly hair and keratoderma. Last evaluated: 2024-05-14. Review status: criteria provided, single submitter. Criteria: ACMG Guidelines, 2015. Collection method: clinical testing. Allele origin: germline. Inheritance: Autosomal dominant inheritance. Observed: 3 variant alleles, 3 heterozygotes.
Comment: This missense variant replaces isoleucine with valine at codon 305 of the DSP protein. Computational prediction suggests that this variant may not impact protein structure and function (internally defined REVEL score threshold <= 0.5, PMID: 27666373). To our knowledge, functional studies have not been reported for this variant. This variant has not been reported in individuals affected with DSP-related disorders in the literature. This variant has been identified in 1/251262 chromosomes in the general population by the Genome Aggregation Database (gnomAD). The available evidence is insufficient to determine the role of this variant in disease conclusively. Therefore, this variant is classified as a Variant of Uncertain Significance.

This study involves interpretation of variants in research participants for the purpose of population health screening. Participant phenotype was not available at the time of variant classification. Additional details can be found in publication PMID: 35346344, PMCID: PMC8962531

Color Diagnostics, LLC DBA Color Health
Classification: Uncertain significance for Cardiomyopathy. Last evaluated: 2024-05-03. Review status: criteria provided, single submitter. Criteria: ACMG Guidelines, 2015. Collection method: clinical testing. Allele origin: germline.
Comment: This missense variant replaces isoleucine with valine at codon 305 of the DSP protein. Computational prediction suggests that this variant may not impact protein structure and function (internally defined REVEL score threshold <= 0.5, PMID: 27666373). To our knowledge, functional studies have not been reported for this variant. This variant has not been reported in individuals affected with DSP-related disorders in the literature. This variant has been identified in 1/251262 chromosomes in the general population by the Genome Aggregation Database (gnomAD). The available evidence is insufficient to determine the role of this variant in disease conclusively. Therefore, this variant is classified as a Variant of Uncertain Significance.

Ambry Genetics
Classification: Uncertain significance for Cardiovascular phenotype. Last evaluated: 2023-04-04. Review status: criteria provided, single submitter. Criteria: Ambry Variant Classification Scheme 2023. Collection method: clinical testing. Allele origin: germline.
Comment: The p.I305V variant (also known as c.913A>G), located in coding exon 7 of the DSP gene, results from an A to G substitution at nucleotide position 913. The isoleucine at codon 305 is replaced by valine, an amino acid with highly similar properties. This amino acid position is highly conserved in available vertebrate species. In addition, the in silico prediction for this alteration is inconclusive. Since supporting evidence is limited at this time, the clinical significance of this alteration remains unclear.

Illumina Laboratory Services, Illumina
Classification: Uncertain significance for Arrhythmogenic right ventricular dysplasia 8. Last evaluated: 2018-01-13. Review status: criteria provided, single submitter. Criteria: ICSL Variant Classification Criteria 13 December 2019. Collection method: clinical testing. Allele origin: germline.

Illumina Laboratory Services, Illumina
Classification: Uncertain significance for Lethal acantholytic epidermolysis bullosa. Last evaluated: 2018-01-13. Review status: criteria provided, single submitter. Criteria: ICSL Variant Classification Criteria 13 December 2019. Collection method: clinical testing. Allele origin: germline.

Illumina Laboratory Services, Illumina
Classification: Uncertain significance for Arrhythmogenic cardiomyopathy with wooly hair and keratoderma. Last evaluated: 2018-01-13. Review status: criteria provided, single submitter. Criteria: ICSL Variant Classification Criteria 13 December 2019. Collection method: clinical testing. Allele origin: germline.